The following is an entry in ClinVar:

NM_001042492.3(NF1):c.5732T>A (p.Ile1911Asn)

Gene: NF1 (neurofibromin 1; plus strand). Cytogenetic location: 17q11.2.
Variant type: single nucleotide variant.
Coding change: c.5732T>A on transcript NM_001042492.3 (MANE Select); coding-DNA position 5732, T replaced by A.
Protein change: p.Ile1911Asn; replaces isoleucine 1911 with asparagine.
Molecular consequence: missense variant.
Genome position (GRCh38, 1-based): chr17:31,330,418, T>A. VCF-style: chr17-31330418-T-A. GRCh37 (hg19) VCF-style: chr17-29657436-T-A.
Other names: c.5669T>A, p.Ile1890Asn (NM_000267.4); short protein forms I1911N, I1890N.
Identifiers: ClinVar variation 652007 (VCV000652007.5), dbSNP rs1597834839, ClinGen allele CA399010352.

ClinVar aggregate classification (germline): Uncertain significance (1 of 4 stars; one submission).

Conditions:
Neurofibromatosis, type 1 (NF1). Also called: VON RECKLINGHAUSEN DISEASE; Neurofibromatosis, type I; NEUROFIBROMATOSIS, TYPE I, SOMATIC; Peripheral type neurofibromatosis. Identifiers: Orphanet 636, MedGen C0027831, MONDO:0018975, OMIM 162200. Disease mechanism: loss of function.

Submission:

Labcorp Genetics (formerly Invitae), Labcorp
Classification: Uncertain significance for Neurofibromatosis, type 1. Last evaluated: 2018-12-15. Review status: criteria provided, single submitter. Criteria: Invitae Variant Classification Sherloc (09022015). Collection method: clinical testing. Allele origin: germline.
Comment: In summary, the available evidence is currently insufficient to determine the role of this variant in disease. Therefore, it has been classified as a Variant of Uncertain Significance. Algorithms developed to predict the effect of missense changes on protein structure and function are either unavailable or do not agree on the potential impact of this missense change (SIFT: "Deleterious"; PolyPhen-2: "Probably Damaging"; Align-GVGD: "Class C0"). This variant has not been reported in the literature in individuals with NF1-related conditions. This variant is not present in population databases (ExAC no frequency). This sequence change replaces isoleucine with asparagine at codon 1890 of the NF1 protein (p.Ile1890Asn). The isoleucine residue is moderately conserved and there is a large physicochemical difference between isoleucine and asparagine.